The following is an entry in ClinVar:

NM_001042492.3(NF1):c.5812+1G>A

Gene: NF1 (neurofibromin 1; plus strand). Cytogenetic location: 17q11.2.
Variant type: single nucleotide variant.
Coding change: c.5812+1G>A on transcript NM_001042492.3 (MANE Select); the canonical splice donor site of the intron after coding-DNA position 5812, G replaced by A.
Molecular consequence: splice donor variant.
Genome position (GRCh38, 1-based): chr17:31,330,499, G>A. VCF-style: chr17-31330499-G-A. GRCh37 (hg19) VCF-style: chr17-29657517-G-A.
Other names: c.5749+1G>A (NM_000267.4).
Identifiers: ClinVar variation 230938 (VCV000230938.13), dbSNP rs876658854, ClinGen allele CA10580359.

ClinVar aggregate classification (germline): Pathogenic. Review status: criteria provided, multiple submitters, no conflicts (2 of 4 stars). 4 submissions from 4 submitters: Pathogenic (4). Last evaluated 2025-11-05.

Conditions:
Hereditary cancer-predisposing syndrome. Also called: Hereditary Cancer Syndrome; Neoplastic Syndromes, Hereditary; Tumor predisposition; Hereditary neoplastic syndrome. Identifiers: Orphanet 140162, MedGen C0027672, MeSH D009386, MONDO:0015356.
Neurofibromatosis, type 1 (NF1). Also called: Neurofibromatosis, type I; VON RECKLINGHAUSEN DISEASE; NEUROFIBROMATOSIS, TYPE I, SOMATIC; Peripheral type neurofibromatosis. Identifiers: Orphanet 636, MedGen C0027831, MONDO:0018975, OMIM 162200. Disease mechanism: loss of function.

Submissions (4):

Labcorp Genetics (formerly Invitae), Labcorp
Classification: Pathogenic for Neurofibromatosis, type 1. Last evaluated: 2025-11-05. Review status: criteria provided, single submitter. Criteria: Invitae Variant Classification Sherloc (09022015). Collection method: clinical testing. Allele origin: germline.
Comment: This sequence change affects a donor splice site in intron 38 of the NF1 gene. RNA analysis indicates that disruption of this splice site induces altered splicing and may result in an absent or altered protein product. This variant is not present in population databases (gnomAD no frequency). Disruption of this splice site has been observed in individual(s) with clinical features of neurofibromatosis, type 1 (PMID: 18546366, 31717729, 31730495). Invitae Evidence Modeling of clinical and family history, age, sex, and reported ancestry of multiple individuals with this NF1 variant has been performed. This variant is expected to be pathogenic with a positive predictive value of at least 99%. This is a validated machine learning model that incorporates the clinical features of 1,785,918 individuals referred to our laboratory for NF1 testing. ClinVar contains an entry for this variant (Variation ID: 230938). Studies have shown that disruption of this splice site results in skipping of exon 38, also referred to as exon 30,, and produces a non-functional protein and/or introduces a premature termination codon (PMID: 18546366; internal data). For these reasons, this variant has been classified as Pathogenic.

GeneDx
Classification: Pathogenic. Last evaluated: 2025-04-04. Review status: criteria provided, single submitter. Criteria: GeneDx Variant Classification Process June 2021. Collection method: clinical testing. Allele origin: germline. Affected: yes.
Comment: Canonical splice site variant in a gene for which loss-of-function is a known mechanism of disease; Not observed at significant frequency in large population cohorts (gnomAD); This variant is associated with the following publications: (PMID: 18546366, 27535533, 31717729)

Genome-Nilou Lab
Classification: Pathogenic for Neurofibromatosis, type 1. Last evaluated: 2022-03-15. Review status: criteria provided, single submitter. Criteria: ACMG Guidelines, 2015. Collection method: clinical testing. Allele origin: germline. Affected: no.

Ambry Genetics
Classification: Pathogenic for Hereditary cancer-predisposing syndrome. Last evaluated: 2015-03-16. Review status: criteria provided, single submitter. Criteria: Ambry Autosomal Dominant and X-Linked criteria (10/2015). Collection method: clinical testing. Allele origin: germline. Observed: 1 variant allele.
Comment: The c.5812+1G>A intronic pathogenic mutation (also known as c.5749+1G>A) results from a G to A substitution one nucleotide after coding exon 39 of the NF1 gene. This mutation was identified in a NF1 patient and mRNA analysis indicated that it leads to skipping of coding exon 39 (referred to as exon 30), which is predicted to cause aframe shift and premature stop codon (Pros, E et al. Hum Mutat. 2008 Sep;29(9):E173-93). In addition to the clinical data presented in the literature, since alterations that disrupt the canonical splice donor site are typically deleterious in nature, this alteration is interpreted as a disease-causing mutation (ACMG Recommendations for Standards for Interpretation and Reporting of Sequence Variations. Revision 2007. Genet Med. 2008;10:294).

Literature cited by the submitters: PubMed 18546366 (cited by Labcorp Genetics (formerly Invitae), Labcorp); PubMed 31717729 (cited by Labcorp Genetics (formerly Invitae), Labcorp); PubMed 31730495 (cited by Labcorp Genetics (formerly Invitae), Labcorp).